The following is an entry in ClinVar:

NM_014946.4(SPAST):c.1157A>G (p.Asn386Ser)

Gene: SPAST (spastin; plus strand). Cytogenetic location: 2p22.3.
Variant type: single nucleotide variant.
Coding change: c.1157A>G on transcript NM_014946.4 (MANE Select); coding-DNA position 1157, A replaced by G.
Protein change: p.Asn386Ser; replaces asparagine 386 with serine.
Molecular consequence: missense variant.
Genome position (GRCh38, 1-based): chr2:32,127,006, A>G. VCF-style: chr2-32127006-A-G. GRCh37 (hg19) VCF-style: chr2-32352075-A-G.
Other names: c.1154A>G, p.Asn385Ser (NM_001363823.2); c.1058A>G, p.Asn353Ser (NM_001363875.2); c.1061A>G, p.Asn354Ser (NM_001377959.1, NM_199436.2); short protein forms N386S, N354S, N385S, N353S.
Identifiers: ClinVar variation 5669 (VCV000005669.16), dbSNP rs121908514, ClinGen allele CA253562.
Genomic context (GRCh38, chr2:32,127,006, plus strand): 5'-AGTTGTTCACAGGGCTTAGAGCTCCTGCCAGAGGGCTGTTACTCTTTGGTCCACCTGGGA[A>G]TGGGAAGACAATGCTGGTAAGGGTTCTCTTCAAATTTGAGTTTTCTGTTGAGATATTTGG-3'
Protein context (NP_055761.2, residues 376-396): RGLLLFGPPG[Asn386Ser]GKTMLAKAVA

ClinVar aggregate classification (germline): Pathogenic. Review status: criteria provided, multiple submitters, no conflicts (2 of 4 stars). 4 submissions from 4 submitters: Pathogenic (3). 1 of the submissions does not count toward it. Last evaluated 2026-01-06.

Conditions:
Hereditary spastic paraplegia 4. Also called: Familial spastic paraplegia autosomal dominant 2; Spastic paraplegia 4, autosomal dominant; Spastic Paraplegia 4. Identifiers: Orphanet 100985, MedGen C1866855, MONDO:0008438, OMIM 182601.
Hereditary spastic paraplegia. Also called: Familial spastic paraparesis. Identifiers: Orphanet 685, MedGen C0037773, MONDO:0019064. Disease mechanism: loss of function.

Submissions (4):

3billion
Classification: Pathogenic for Hereditary spastic paraplegia 4. Last evaluated: 2026-01-06. Review status: criteria provided, single submitter. Criteria: ACMG Guidelines, 2015. Collection method: clinical testing. Allele origin: germline. Affected: yes.
Comment: The variant is not observed in the gnomAD v4.1.0 dataset. Predicted Consequence/Location: The variant is located in a mutational hot spot and/or well-established functional domain in which established pathogenic variants have been reported. In silico tool predictions suggest damaging effect of the variant on gene or gene product [REVEL: 0.76 (>=0.6, sensitivity 0.68 and specificity 0.92); 3Cnet: 0.98 (> 0.75, sensitivity 0.96 and precision 0.92)]. The same nucleotide change resulting in the same amino acid change has been previously reported as pathogenic/likely pathogenic with strong evidence (ClinVar ID: VCV000005669 /PMID: 15210521). Different missense changes at the same codon (p.Asn386Asp, p.Asn386His, p.Asn386Lys, p.Asn386Tyr) have been reported to be associated with SPAST-related disorder (ClinVar ID: VCV003337626 /PMID: 10699187, 28572275, 30476002, 37984842 /3billion dataset). Therefore, this variant is classified as Pathogenic according to the recommendation of ACMG/AMP guideline.

Labcorp Genetics (formerly Invitae), Labcorp
Classification: Pathogenic for Hereditary spastic paraplegia 4. Last evaluated: 2023-08-04. Review status: criteria provided, single submitter. Criteria: Invitae Variant Classification Sherloc (09022015). Collection method: clinical testing. Allele origin: germline.
Comment: Experimental studies have shown that this missense change affects SPAST function (PMID: 15210521). For these reasons, this variant has been classified as Pathogenic. This variant disrupts the p.Asn386 amino acid residue in SPAST. Other variant(s) that disrupt this residue have been observed in individuals with SPAST-related conditions (PMID: 10699187, 28572275), which suggests that this may be a clinically significant amino acid residue. Advanced modeling of protein sequence and biophysical properties (such as structural, functional, and spatial information, amino acid conservation, physicochemical variation, residue mobility, and thermodynamic stability) has been performed at Invitae for this missense variant, however the output from this modeling did not meet the statistical confidence thresholds required to predict the impact of this variant on SPAST protein function. ClinVar contains an entry for this variant (Variation ID: 5669). This missense change has been observed in individuals with hereditary spastic paraplegia (PMID: 15210521, 20559269, 23400676). This variant is not present in population databases (gnomAD no frequency). This sequence change replaces asparagine, which is neutral and polar, with serine, which is neutral and polar, at codon 386 of the SPAST protein (p.Asn386Ser).

Genome Diagnostics Laboratory, The Hospital for Sick Children
Classification: Pathogenic for Hereditary spastic paraplegia. Last evaluated: 2018-06-01. Review status: criteria provided, single submitter. Criteria: ACMG Guidelines, 2015. Collection method: clinical testing. Allele origin: germline. Affected: yes.

OMIM
Classification: Pathogenic for SPASTIC PARAPLEGIA 4. Last evaluated: 2004-06-01. Review status: no assertion criteria provided. Collection method: literature only. Allele origin: germline. Not counted in ClinVar's aggregate classification.

Literature cited by the submitters: PubMed 15210521 (cited by 3 submitters); PubMed 10699187 (cited by 3billion and Labcorp Genetics (formerly Invitae), Labcorp); PubMed 28572275 (cited by Labcorp Genetics (formerly Invitae), Labcorp); PubMed 20559269 (cited by Labcorp Genetics (formerly Invitae), Labcorp); PubMed 23400676 (cited by Labcorp Genetics (formerly Invitae), Labcorp).